The following is an entry in ClinVar:

ClinVar aggregate classification (germline): Uncertain significance (1 of 4 stars; one submission).

Allele frequency attached by ClinVar (database versions not stated): gnomAD exomes below 0.00001; TOPMed 0.00002; gnomAD 0.00003 and 0.00004.
gnomAD v4.1: 9 of 1,536,734 alleles (0.00059%); highest among the groups gnomAD compares: African/African-American, 0.012%; no homozygotes.

Submission:

GeneDx
Classification: Uncertain significance. Last evaluated: 2017-02-16. Review status: criteria provided, single submitter. Criteria: GeneDx Variant Classification (06012015). Collection method: clinical testing. Allele origin: germline. Affected: yes.
Comment: The c.-28-9 T>A variant has not been published as pathogenic or been reported as benign to our knowledge. The c.-28-9 T>A variant is not observed in large a population cohort (Exome Variant Server). This single nucleotide substitution is located upstream of the intron 1 splice acceptor site. Some in silico splice algorithms predict this variant may weaken or destroy the natural acceptor site, though at least one algorithm predicts minimal affect. In addition, this variant occurs at a position that is not conserved through species. Of note, the translational start site is located downstream of this variant in exon 2 of the CSRP3 gene (NM_003476.3) and it is not known whether this variant has an effect on splicing. If splicing is affected, it is also unknown whether protein translation is altered. No regulatory or splice variants in the CSRP3 gene have been reported in HGMD in association with cardiomyopathy (Stenson et al., 2014), and haploinsufficiency is not a well-established disease mechanism for the CSRP3 gene. Ultimately, in the absence of functional studies, the physiological consequence of this variant cannot be precisely determined.

NM_003476.5(CSRP3):c.-28-9T>A

Gene: CSRP3 (cysteine and glycine rich protein 3; minus strand). Cytogenetic location: 11p15.1.
Variant type: single nucleotide variant.
Coding change: c.-28-9T>A on transcript NM_003476.5 (MANE Select); 9 bases into the intron before 28 bases upstream of the start codon, T replaced by A.
Molecular consequence: intron variant.
Genome position (GRCh38, 1-based): chr11:19,192,485, A>T on the plus strand (T>A on the coding strand, the complement: CSRP3 is on the minus strand). VCF-style: chr11-19192485-A-T. GRCh37 (hg19) VCF-style: chr11-19214032-A-T.
Other names: c.-28-9T>A (LRG_440t1, NM_001369404.1).
Identifiers: ClinVar variation 423744 (VCV000423744.2), dbSNP rs1053281170, ClinGen allele CA16619299.